The following is an entry in ClinVar:

NM_001098511.3(KIF2A):c.999T>C (p.Asp333=)

Gene: KIF2A (kinesin family member 2A; plus strand). Cytogenetic location: 5q12.1.
Variant type: single nucleotide variant.
Coding change: c.999T>C on transcript NM_001098511.3 (MANE Select); coding-DNA position 999, T replaced by C.
Protein change: p.Asp333=; no amino-acid change (aspartic acid 333 retained).
Molecular consequence: synonymous variant.
Genome position (GRCh38, 1-based): chr5:62,361,501, T>C. VCF-style: chr5-62361501-T-C. GRCh37 (hg19) VCF-style: chr5-61657328-T-C.
Other names: c.918T>C, p.Asp306= (NM_001243952.2); c.942T>C, p.Asp314= (NM_001243953.2); c.999T>C, p.Asp333= (NM_004520.5).
Identifiers: ClinVar variation 3026137 (VCV003026137.22), dbSNP rs2531352356, ClinGen allele CA444578970.

ClinVar aggregate classification (germline): Likely benign (1 of 4 stars; one submission).

Allele frequency attached by ClinVar (database versions not stated): gnomAD exomes below 0.00001.
gnomAD v4.1: 1 of 1,585,722 alleles (0.000063%); highest among the groups gnomAD compares: Non-Finnish European, 0.000087%; no homozygotes.

Submission:

CeGaT Center for Human Genetics Tuebingen
Classification: Likely benign. Last evaluated: 2024-02-01. Review status: criteria provided, single submitter. Criteria: CeGaT Center For Human Genetics Tuebingen Variant Classification Criteria Version 2. Collection method: clinical testing. Allele origin: germline. Affected: yes. Observed: 1 variant allele.
Comment: KIF2A: PM2:Supporting, BP4, BP7